The following is an entry in ClinVar:

NM_000088.4(COL1A1):c.*241_*244dup

Gene: COL1A1 (collagen type I alpha 1 chain; minus strand). Cytogenetic location: 17q21.33.
Variant type: Duplication.
Coding change: c.*241_*244dup on transcript NM_000088.4 (MANE Select); 241 bases downstream of the stop codon through 244 bases downstream of the stop codon, 4 bases duplicated (AAAA; older notation c.*241_*244dupAAAA).
Molecular consequence: 3 prime UTR variant.
Genome position (GRCh38, 1-based): chr17:50,185,258-50,185,261, TTTT duplicated on the plus strand (AAAA on the coding strand, the reverse complement: COL1A1 is on the minus strand); duplicating any 4 consecutive bases within chr17:50,185,258-50,185,276 gives the same sequence; the c. name uses the placement nearest the transcript's 3' end. VCF-style (leftmost placement, unchanged base first): chr17-50185257-C-CTTTT. GRCh37 (hg19) VCF-style: chr17-48262618-C-CTTTT.
Other names: c.*241_*244dupAAAA (NM_000088.3).
Identifiers: ClinVar variation 3049935 (VCV003049935.2), dbSNP rs56302025, ClinGen allele CA772779695.

ClinVar aggregate classification (germline): Likely benign (0 of 4 stars; one submission).

Conditions:
COL1A1-related disorder. Also called: COL1A1- related disease; COL1A1-related condition.

Submission:

PreventionGenetics, part of Exact Sciences
Classification: Likely benign for COL1A1-related condition. Last evaluated: 2022-02-15. Review status: no assertion criteria provided. Collection method: clinical testing. Allele origin: germline.
Comment: This variant is classified as likely benign based on ACMG/AMP sequence variant interpretation guidelines (Richards et al. 2015 PMID: 25741868, with internal and published modifications).